The following is an entry in ClinVar:

NM_000388.4(CASR):c.3215C>T (p.Thr1072Ile)

Gene: CASR (calcium sensing receptor; plus strand). Cytogenetic location: 3q21.1.
Variant type: single nucleotide variant.
Coding change: c.3215C>T on transcript NM_000388.4 (MANE Select); coding-DNA position 3215, C replaced by T.
Protein change: p.Thr1072Ile; replaces threonine 1072 with isoleucine.
Molecular consequence: missense variant.
Genome position (GRCh38, 1-based): chr3:122,285,169, C>T. VCF-style: chr3-122285169-C-T. GRCh37 (hg19) VCF-style: chr3-122004016-C-T.
Other names: c.3245C>T, p.Thr1082Ile (NM_001178065.2); short protein forms T1072I, T1082I.
Identifiers: ClinVar variation 1517237 (VCV001517237.8), dbSNP rs2107652135, ClinGen allele CA354161798.
Genomic context (GRCh38, chr3:122,285,169, plus strand): 5'-CAGCACTTGTAGTGTCCAGTTCACAGAGCTTTGTCATCAGTGGTGGAGGCAGCACTGTTA[C>T]AGAAAACGTAGTGAATTCATAAAATGGAAGGAGAAGACTGGGCTAGGGAGAATGCAGAGA-3'
Protein context (NP_000379.3, residues 1062-1078): FVISGGGSTV[Thr1072Ile]ENVVNS

ClinVar aggregate classification (germline): Uncertain significance (1 of 4 stars; one submission).

Conditions:
Familial hypocalciuric hypercalcemia (FHH). Also called: Familial benign hypercalcemia. Identifiers: Orphanet 405, MedGen C1809471, MONDO:0018458.
Autosomal dominant hypocalcemia 1 (HYPOC1). Also called: HYPOCALCEMIA, FAMILIAL. Identifiers: MONDO:0011013, OMIM 601198, MedGen C3715128.

Submission:

Labcorp Genetics (formerly Invitae), Labcorp
Classification: Uncertain significance for Familial hypocalciuric hypercalcemia; Autosomal dominant hypocalcemia 1. Last evaluated: 2021-05-03. Review status: criteria provided, single submitter. Criteria: Invitae Variant Classification Sherloc (09022015). Collection method: clinical testing. Allele origin: germline.
Comment: In summary, the available evidence is currently insufficient to determine the role of this variant in disease. Therefore, it has been classified as a Variant of Uncertain Significance. Algorithms developed to predict the effect of missense changes on protein structure and function are either unavailable or do not agree on the potential impact of this missense change (SIFT: "Deleterious"; PolyPhen-2: "Benign"; Align-GVGD: "Class C0"). This variant has not been reported in the literature in individuals with CASR-related conditions. This variant is not present in population databases (ExAC no frequency). This sequence change replaces threonine with isoleucine at codon 1072 of the CASR protein (p.Thr1072Ile). The threonine residue is highly conserved and there is a moderate physicochemical difference between threonine and isoleucine.